The following is an entry in ClinVar:

ClinVar aggregate classification (germline): Likely pathogenic (1 of 4 stars; one submission).

Conditions:
Short-rib thoracic dysplasia 7 with or without polydactyly (SRTD7). Also called: Short rib polydactyly syndrome 5; SHORT-RIB THORACIC DYSPLASIA 7 WITH POLYDACTYLY. Identifiers: Orphanet 498497, Orphanet 93271, MedGen C3279792, MONDO:0013569, OMIM 614091.
Cranioectodermal dysplasia 2 (CED2). Identifiers: Orphanet 1515, MedGen C3150874, MONDO:0013323, OMIM 613610.

Submission:

Labcorp Genetics (formerly Invitae), Labcorp
Classification: Likely pathogenic for Cranioectodermal dysplasia 2; Short-rib thoracic dysplasia 7 with or without polydactyly. Last evaluated: 2021-10-02. Review status: criteria provided, single submitter. Criteria: Invitae Variant Classification Sherloc (09022015). Collection method: clinical testing. Allele origin: germline.
Comment: In summary, the currently available evidence indicates that the variant is pathogenic, but additional data are needed to prove that conclusively. Therefore, this variant has been classified as Likely Pathogenic. Algorithms developed to predict the effect of sequence changes on RNA splicing suggest that this variant may disrupt the consensus splice site. This variant has not been reported in the literature in individuals affected with WDR35-related conditions. This variant is not present in population databases (ExAC no frequency). This sequence change affects a donor splice site in intron 12 of the WDR35 gene. It is expected to disrupt RNA splicing. Variants that disrupt the donor or acceptor splice site typically lead to a loss of protein function (PMID: 16199547), and loss-of-function variants in WDR35 are known to be pathogenic (PMID: 22486404, 29068549).

Literature cited by the submitters: PubMed 16199547; PubMed 22486404; PubMed 29068549.

NM_020779.4(WDR35):c.1255+1G>C

Gene: WDR35 (WD repeat domain 35; minus strand). Cytogenetic location: 2p24.1.
Variant type: single nucleotide variant.
Coding change: c.1255+1G>C on transcript NM_020779.4 (MANE Select); the canonical splice donor site of the intron after coding-DNA position 1255, G replaced by C.
Molecular consequence: splice donor variant.
Genome position (GRCh38, 1-based): chr2:19,960,553, C>G on the plus strand (G>C on the coding strand, the complement: WDR35 is on the minus strand). VCF-style: chr2-19960553-C-G. GRCh37 (hg19) VCF-style: chr2-20160314-C-G.
Other names: c.1288+1G>C (NM_001006657.2).
Identifiers: ClinVar variation 1471212 (VCV001471212.6), dbSNP rs371669862, ClinGen allele CA345945775.